The following is an entry in ClinVar:

NM_025052.5(MAP3K19):c.372T>C (p.Asn124=)

Gene: MAP3K19 (mitogen-activated protein kinase kinase kinase 19; minus strand). Cytogenetic location: 2q21.3.
Variant type: single nucleotide variant.
Coding change: c.372T>C on transcript NM_025052.5 (MANE Select); coding-DNA position 372, T replaced by C.
Protein change: p.Asn124=; no amino-acid change (asparagine 124 retained).
Molecular consequence: synonymous variant. On other transcripts: intron variant (1).
Genome position (GRCh38, 1-based): chr2:134,998,940, A>G on the plus strand (T>C on the coding strand, the complement: MAP3K19 is on the minus strand). VCF-style: chr2-134998940-A-G. GRCh37 (hg19) VCF-style: chr2-135756510-A-G.
Other names: c.372T>C, p.Asn124= (NM_001018046.3, NM_001018047.3, NM_001282883.2 and 1 more transcripts); c.423T>C, p.Asn141= (NM_001321177.2); c.235+6495T>C (NM_001018044.3).
Identifiers: ClinVar variation 2651380 (VCV002651380.24), dbSNP rs145950712, ClinGen allele CA1884193.

ClinVar aggregate classification (germline): Likely benign (1 of 4 stars; one submission).

Allele frequency attached by ClinVar (database versions not stated): 1000 Genomes Project 0.00020; 1000 Genomes Project 30x 0.00031; TOPMed 0.00080; gnomAD exomes 0.00084; gnomAD 0.00086; ESP Exome Variant Server 0.00092; ExAC 0.00101.
gnomAD v4.1: 1,371 of 1,614,126 alleles (0.085%); highest among the groups gnomAD compares: Middle Eastern, 0.68%; 3 homozygotes.

Submission:

CeGaT Center for Human Genetics Tuebingen
Classification: Likely benign. Last evaluated: 2023-01-01. Review status: criteria provided, single submitter. Criteria: CeGaT Center For Human Genetics Tuebingen Variant Classification Criteria Version 2. Collection method: clinical testing. Allele origin: germline. Affected: yes. Observed: 1 variant allele.
Comment: MAP3K19: BP4, BP7